The following is an entry in ClinVar:

ClinVar aggregate classification (germline): Uncertain significance. Review status: criteria provided, multiple submitters, no conflicts (2 of 4 stars). 4 submissions from 4 submitters: Uncertain significance (4). Last evaluated 2026-01-06.

Conditions:
TRIOBP-related disorder. Also called: TRIOBP-related condition.

Allele frequency attached by ClinVar (database versions not stated): gnomAD exomes below 0.00001 and 0.00001; gnomAD 0.00001; TOPMed 0.00001.
gnomAD v4.1: 14 of 1,551,432 alleles (0.0009%); highest among the groups gnomAD compares: East Asian, 0.0049%; no homozygotes.

Submissions (4):

PreventionGenetics, part of Exact Sciences
Classification: Uncertain significance for TRIOBP-related condition. Last evaluated: 2026-01-06. Review status: criteria provided, single submitter. Criteria: ACMG Guidelines, 2015. Collection method: clinical testing. Allele origin: germline.
Comment: The TRIOBP c.4009C>G variant is predicted to result in the amino acid substitution p.Gln1337Glu. To our knowledge, this variant has not been reported in the literature. This variant is reported in 0.0044% of alleles in individuals of South Asian descent in gnomAD. At this time, the clinical significance of this variant is uncertain due to the absence of conclusive functional and genetic evidence.

Blueprint Genetics
Classification: Uncertain significance. Last evaluated: 2024-07-02. Review status: criteria provided, single submitter. Criteria: ACMG Guidelines, 2015. Collection method: clinical testing. Allele origin: germline.

GeneDx
Classification: Uncertain significance. Last evaluated: 2023-04-11. Review status: criteria provided, single submitter. Criteria: GeneDx Variant Classification Process June 2021. Collection method: clinical testing. Allele origin: germline. Affected: yes.
Comment: Not observed at significant frequency in large population cohorts (gnomAD); In silico analysis supports that this missense variant does not alter protein structure/function; Has not been previously published as pathogenic or benign to our knowledge

Laboratory for Molecular Medicine, Mass General Brigham Personalized Medicine
Classification: Uncertain significance. Last evaluated: 2014-05-13. Review status: criteria provided, single submitter. Criteria: LMM Criteria. Collection method: clinical testing. Allele origin: germline. Observed: 1 variant allele.
Comment: The Gln1337Glu variant in TRIOBP has not been previously reported in individuals with hearing loss and frequency data from large population studies is insuffici ent. Computational prediction tools and conservation analyses do not provide str ong support for or against an impact to the protein. In summary, additional info rmation is needed to fully assess the clinical significance of this variant.

NM_001039141.3(TRIOBP):c.4009C>G (p.Gln1337Glu)

Gene: TRIOBP (TRIO and F-actin binding protein; plus strand). Cytogenetic location: 22q13.1.
Variant type: single nucleotide variant.
Coding change: c.4009C>G on transcript NM_001039141.3 (MANE Select); coding-DNA position 4009, C replaced by G.
Protein change: p.Gln1337Glu; replaces glutamine 1337 with glutamic acid.
Molecular consequence: missense variant.
Genome position (GRCh38, 1-based): chr22:37,733,359, C>G. VCF-style: chr22-37733359-C-G. GRCh37 (hg19) VCF-style: chr22-38129366-C-G.
Other names: short protein forms Q1337E.
Identifiers: ClinVar variation 165586 (VCV000165586.8), dbSNP rs372970338, ClinGen allele CA178327.